The following is an entry in ClinVar:

ClinVar aggregate classification (germline): Uncertain significance (1 of 4 stars; one submission).

Submission:

Labcorp Genetics (formerly Invitae), Labcorp
Classification: Uncertain significance. Last evaluated: 2022-11-23. Review status: criteria provided, single submitter. Criteria: Invitae Variant Classification Sherloc (09022015). Collection method: clinical testing. Allele origin: germline.
Comment: This variant has not been reported in the literature in individuals affected with RINT1-related conditions. This sequence change replaces isoleucine, which is neutral and non-polar, with threonine, which is neutral and polar, at codon 155 of the RINT1 protein (p.Ile155Thr). This variant is not present in population databases (gnomAD no frequency). Algorithms developed to predict the effect of missense changes on protein structure and function are either unavailable or do not agree on the potential impact of this missense change (SIFT: "Deleterious"; PolyPhen-2: "Benign"; Align-GVGD: "Class C25"). In summary, the available evidence is currently insufficient to determine the role of this variant in disease. Therefore, it has been classified as a Variant of Uncertain Significance.

NM_021930.6(RINT1):c.464T>C (p.Ile155Thr)

Gene: RINT1 (RAD50 interactor 1; plus strand). Cytogenetic location: 7q22.3.
Variant type: single nucleotide variant.
Coding change: c.464T>C on transcript NM_021930.6 (MANE Select); coding-DNA position 464, T replaced by C.
Protein change: p.Ile155Thr; replaces isoleucine 155 with threonine.
Molecular consequence: missense variant. On other transcripts: 5 prime UTR variant (3), non-coding transcript variant (1).
Genome position (GRCh38, 1-based): chr7:105,542,598, T>C. VCF-style: chr7-105542598-T-C. GRCh37 (hg19) VCF-style: chr7-105183045-T-C.
Other names: c.230T>C, p.Ile77Thr (NM_001346599.2); c.-556T>C (NM_001346600.2); c.-459T>C (NM_001346601.2); c.-79T>C (NM_001346603.2); short protein forms I155T, I77T.
Identifiers: ClinVar variation 2992695 (VCV002992695.3), dbSNP rs2485113027, ClinGen allele CA368803813.